The following is an entry in ClinVar:

ClinVar aggregate classification (germline): Uncertain significance (1 of 4 stars; one submission).

Submission:

Ambry Genetics
Classification: Uncertain significance. Last evaluated: 2025-02-15. Review status: criteria provided, single submitter. Criteria: Ambry Variant Classification Scheme 2023. Collection method: clinical testing. Allele origin: germline.
Comment: The p.H1036L variant (also known as c.3107A>T), located in coding exon 1 of the TET2 gene, results from an A to T substitution at nucleotide position 3107. The histidine at codon 1036 is replaced by leucine, an amino acid with similar properties. This amino acid position is conserved. In addition, this alteration is predicted to be tolerated by in silico analysis. Based on the available evidence, the clinical significance of this variant remains unclear.

NM_001127208.3(TET2):c.3107A>T (p.His1036Leu)

Genes: TET2 (tet methylcytosine dioxygenase 2; plus strand), TET2-AS1 (TET2 antisense RNA 1; minus strand). Cytogenetic location: 4q24.
Variant type: single nucleotide variant.
Coding change: c.3107A>T on transcript NM_001127208.3 (MANE Select); coding-DNA position 3107, A replaced by T.
Protein change: p.His1036Leu; replaces histidine 1036 with leucine.
Molecular consequence: missense variant.
Genome position (GRCh38, 1-based): chr4:105,237,049, A>T. VCF-style: chr4-105237049-A-T. GRCh37 (hg19) VCF-style: chr4-106158206-A-T.
Other names: c.3107A>T, p.His1036Leu (NM_017628.4); short protein forms H1036L.
Identifiers: ClinVar variation 3806060 (VCV003806060.1).
Genomic context (GRCh38, chr4:105,237,049, plus strand): 5'-GTGATAATGTGCAGCAAAAGAGCATCATTGAGACCATGGAGCAGCATCTGAAGCAGTTTC[A>T]CGCCAAGTCGTTATTTGACCATAAGGCTCTTACTCTCAAATCACAGAAGCAAGTAAAAGT-3'
Protein context (NP_001120680.1, residues 1026-1046): ETMEQHLKQF[His1036Leu]AKSLFDHKAL